The following is an entry in ClinVar:

NM_001267550.2(TTN):c.103373A>G (p.Tyr34458Cys)

Genes: TTN (titin; minus strand), TTN-AS1 (TTN antisense RNA 1; plus strand). Cytogenetic location: 2q31.2.
Variant type: single nucleotide variant.
Coding change: c.103373A>G on transcript NM_001267550.2 (MANE Select); coding-DNA position 103373, A replaced by G.
Protein change: p.Tyr34458Cys; replaces tyrosine 34458 with cysteine.
Molecular consequence: missense variant.
Genome position (GRCh38, 1-based): chr2:178,533,242, T>C on the plus strand (A>G on the coding strand, the complement: TTN is on the minus strand). VCF-style: chr2-178533242-T-C. GRCh37 (hg19) VCF-style: chr2-179397969-T-C.
Other names: c.98450A>G, p.Tyr32817Cys (NM_001256850.1); c.76178A>G, p.Tyr25393Cys (NM_003319.4); c.95669A>G, p.Tyr31890Cys (NM_133378.4); c.76553A>G, p.Tyr25518Cys (NM_133432.3); c.76754A>G, p.Tyr25585Cys (NM_133437.4); short protein forms Y25518C, Y31890C, Y25393C, Y25585C, Y32817C, Y34458C.
Identifiers: ClinVar variation 2922603 (VCV002922603.3), dbSNP rs754844309, ClinGen allele CA1985614.
Genomic context (GRCh38, chr2:178,533,242, plus strand): 5'-TCAATTTGTTTTTGTACGTGTCGCTCATGCTCCTCCTTACTCTTGAATTCCTGTTTCTTG[T>C]ACCTCAGGCGTTCCACTTGTAGGTGAGCCTGGCAGCTGGTGGACCCAGCTGTGTTAGTGG-3'
Protein context (NP_001254479.2, residues 34448-34468): QAHLQVERLR[Tyr34458Cys]KKQEFKSKEE

ClinVar aggregate classification (germline): Uncertain significance (1 of 4 stars; one submission).

Conditions:
Dilated cardiomyopathy 1G (CMD1G). Identifiers: Orphanet 154, MedGen C1858763, MONDO:0011400, OMIM 604145.
Autosomal recessive limb-girdle muscular dystrophy type 2J (LGMDR10). Also called: Limb-girdle muscular dystrophy, type 2J; MUSCULAR DYSTROPHY, LIMB-GIRDLE, AUTOSOMAL RECESSIVE 10. Identifiers: Orphanet 140922, MedGen C1837342, MONDO:0012127, OMIM 608807.

Allele frequency attached by ClinVar (database versions not stated): gnomAD exomes below 0.00001; ExAC 0.00001.
gnomAD v4.1: 1 of 1,613,982 alleles (0.000062%); highest among the groups gnomAD compares: Admixed American, 0.0017%; no homozygotes.

Submission:

Labcorp Genetics (formerly Invitae), Labcorp
Classification: Uncertain significance for Dilated cardiomyopathy 1G; Autosomal recessive limb-girdle muscular dystrophy type 2J. Last evaluated: 2025-03-18. Review status: criteria provided, single submitter. Criteria: Invitae Variant Classification Sherloc (09022015). Collection method: clinical testing. Allele origin: germline.
Comment: This sequence change replaces tyrosine, which is neutral and polar, with cysteine, which is neutral and slightly polar, at codon 34458 of the TTN protein (p.Tyr34458Cys). The frequency data for this variant in the population databases is considered unreliable, as metrics indicate poor data quality at this position in the gnomAD database. This variant has not been reported in the literature in individuals affected with TTN-related conditions. ClinVar contains an entry for this variant (Variation ID: 2922603). Experimental studies and prediction algorithms are not available or were not evaluated, and the functional significance of this variant is currently unknown. This variant is located in the M band of TTN (PMID: 25589632). Non-truncating variants in this region may be relevant for neuromuscular disorders, but have not been definitively shown to cause cardiomyopathy (PMID: 23975875). In summary, the available evidence is currently insufficient to determine the role of this variant in disease. Therefore, it has been classified as a Variant of Uncertain Significance.

Literature cited by the submitters: PubMed 25589632; PubMed 23975875.